The following is an entry in ClinVar:

ClinVar aggregate classification (germline): Pathogenic. Review status: criteria provided, single submitter (1 of 4 stars). 2 submissions from 2 submitters: Pathogenic (1). 1 of the submissions does not count toward it. Last evaluated 2025-08-05.

Conditions:
Intellectual developmental disorder, X-linked 30. Also called: MENTAL RETARDATION, X-LINKED 47; Intellectual disability, X-linked 30. Identifiers: Orphanet 777, MedGen C0796237, MONDO:0010361, OMIM 300558.

Allele frequency attached by ClinVar (database versions not stated): TOPMed below 0.00001.

Submissions (2):

GeneDx
Classification: Pathogenic. Last evaluated: 2025-08-05. Review status: criteria provided, single submitter. Criteria: GeneDx Variant Classification Process June 2021. Collection method: clinical testing. Allele origin: germline.
Comment: Not observed at significant frequency in large population cohorts (gnomAD); In silico analysis supports that this missense variant has a deleterious effect on protein structure/function; This variant is associated with the following publications: (PMID: 23622267, 9332663, 24556213, 10946356, 17537723, 31943058, 26350204)

OMIM
Classification: Pathogenic for INTELLECTUAL DEVELOPMENTAL DISORDER, X-LINKED 30. Last evaluated: 2000-08-14. Review status: no assertion criteria provided. Collection method: literature only. Allele origin: germline. Not counted in ClinVar's aggregate classification.

Literature cited by the submitters: PubMed 9332663 (cited by OMIM); PubMed 10946356 (cited by OMIM).

NM_002578.5(PAK3):c.199C>T (p.Arg67Cys)

Gene: PAK3 (p21 (RAC1) activated kinase 3; plus strand). Cytogenetic location: Xq23.
Variant type: single nucleotide variant.
Coding change: c.199C>T on transcript NM_002578.5 (MANE Select); coding-DNA position 199, C replaced by T.
Protein change: p.Arg67Cys; replaces arginine 67 with cysteine.
Molecular consequence: missense variant. On other transcripts: non-coding transcript variant (2).
Genome position (GRCh38, 1-based): chrX:111,142,119, C>T. VCF-style: chrX-111142119-C-T. GRCh37 (hg19) VCF-style: chrX-110385347-C-T.
Other names: c.199C>T (NM_002578.3); c.199C>T, p.Arg67Cys (NM_001128166.3, NM_001128167.3, NM_001128168.3 and 12 more transcripts); short protein forms R67C.
Identifiers: ClinVar variation 11569 (VCV000011569.4), dbSNP rs121434612, ClinGen allele CA121581.